The following is an entry in ClinVar:

ClinVar aggregate classification (germline): Uncertain significance. Review status: criteria provided, multiple submitters, no conflicts (2 of 4 stars). 5 submissions from 5 submitters: Uncertain significance (5). Last evaluated 2025-01-19.

Conditions:
Cerebroretinal microangiopathy with calcifications and cysts 1 (CRMCC1). Identifiers: Orphanet 313838, MedGen C4552029, MONDO:0024564, OMIM 612199.
Dyskeratosis congenita. Identifiers: Orphanet 1775, MedGen C0265965, MONDO:0015780.

Allele frequency attached by ClinVar (database versions not stated): ExAC 0.00002; gnomAD exomes 0.00002; 1000 Genomes Project 30x 0.00016; 1000 Genomes Project 0.00020; gnomAD 0.00032 and 0.00035; TOPMed 0.00078.
gnomAD v4.1: 85 of 1,614,138 alleles (0.0053%); highest among the groups gnomAD compares: Admixed American, 0.12%; no homozygotes.

Submissions (5):

Mayo Clinic Laboratories, Mayo Clinic
Classification: Uncertain significance. Last evaluated: 2025-01-19. Review status: criteria provided, single submitter. Criteria: ACMG Guidelines, 2015. Collection method: clinical testing. Allele origin: germline. Observed: 1 variant allele.

Labcorp Genetics (formerly Invitae), Labcorp
Classification: Uncertain significance for Dyskeratosis congenita. Last evaluated: 2024-01-01. Review status: criteria provided, single submitter. Criteria: Invitae Variant Classification Sherloc (09022015). Collection method: clinical testing. Allele origin: germline.
Comment: This sequence change replaces leucine, which is neutral and non-polar, with phenylalanine, which is neutral and non-polar, at codon 935 of the CTC1 protein (p.Leu935Phe). This variant is present in population databases (rs542477730, gnomAD 0.009%). This variant has not been reported in the literature in individuals affected with CTC1-related conditions. ClinVar contains an entry for this variant (Variation ID: 529186). Advanced modeling of protein sequence and biophysical properties (such as structural, functional, and spatial information, amino acid conservation, physicochemical variation, residue mobility, and thermodynamic stability) performed at Invitae indicates that this missense variant is not expected to disrupt CTC1 protein function with a negative predictive value of 80%. In summary, the available evidence is currently insufficient to determine the role of this variant in disease. Therefore, it has been classified as a Variant of Uncertain Significance.

Sema4
Classification: Uncertain significance for Dyskeratosis congenita. Last evaluated: 2021-09-16. Review status: criteria provided, single submitter. Criteria: Sema4 Curation Guidelines. Collection method: curation. Allele origin: germline.
Comment: To the best of our knowledge, the CTC1 c.2803C>T (p.L935F) variant has not been reported in individuals with CTC1-related disease. It was observed in 6/35352 chromosomes of the Latino subpopulation in the large and broad cohorts of the Genome Aggregation Database (PMID: 32461654). The variant has been reported in ClinVar (Variation ID: 529186). Functional studies have not been performed, and in silico predictions of the variant's effect on protein function are inconclusive. The evidence is insufficient to meet ACMG/AMP criteria for classifying the variant as benign or pathogenic. Thus, the clinical significance of this variant is currently uncertain.

Genome-Nilou Lab
Classification: Uncertain significance for Cerebroretinal microangiopathy with calcifications and cysts 1. Last evaluated: 2021-07-15. Review status: criteria provided, single submitter. Criteria: ACMG Guidelines, 2015. Collection method: clinical testing. Allele origin: germline. Affected: no.

Fulgent Genetics
Classification: Uncertain significance for Cerebroretinal microangiopathy with calcifications and cysts 1. Last evaluated: 2018-10-31. Review status: criteria provided, single submitter. Criteria: ACMG Guidelines, 2015. Collection method: clinical testing. Allele origin: unknown.

Literature cited by the submitters: PubMed 34513534 (cited by Mayo Clinic Laboratories, Mayo Clinic).

NM_025099.6(CTC1):c.2803C>T (p.Leu935Phe)

Gene: CTC1 (CST telomere replication complex component 1; minus strand). Cytogenetic location: 17p13.1.
Variant type: single nucleotide variant.
Coding change: c.2803C>T on transcript NM_025099.6 (MANE Select); coding-DNA position 2803, C replaced by T.
Protein change: p.Leu935Phe; replaces leucine 935 with phenylalanine.
Molecular consequence: missense variant. On other transcripts: non-coding transcript variant (1).
Genome position (GRCh38, 1-based): chr17:8,230,424, G>A on the plus strand (C>T on the coding strand, the complement: CTC1 is on the minus strand). VCF-style: chr17-8230424-G-A. GRCh37 (hg19) VCF-style: chr17-8133742-G-A.
Other names: p.Leu935Phe; short protein forms L935F.
Identifiers: ClinVar variation 529186 (VCV000529186.14), dbSNP rs542477730, ClinGen allele CA8371962.